The following is an entry in ClinVar:

ClinVar aggregate classification (germline): Conflicting classifications of pathogenicity. Review status: criteria provided, conflicting classifications (1 of 4 stars). 2 submissions from 2 submitters: Uncertain significance (1); Likely benign (1). Last evaluated 2026-04-04.

Conditions:
Hereditary cancer-predisposing syndrome. Also called: Neoplastic Syndromes, Hereditary; Tumor predisposition; Hereditary Cancer Syndrome; Hereditary neoplastic syndrome. Identifiers: Orphanet 140162, MedGen C0027672, MeSH D009386, MONDO:0015356.

Submissions (2):

Ambry Genetics
Classification: Likely benign for Hereditary cancer-predisposing syndrome. Last evaluated: 2026-04-04. Review status: criteria provided, single submitter. Criteria: Ambry Variant Classification Scheme 2023. Collection method: clinical testing. Allele origin: germline.

GeneDx
Classification: Uncertain significance. Last evaluated: 2019-07-01. Review status: criteria provided, single submitter. Criteria: GeneDx Variant Classification Process June 2021. Collection method: clinical testing. Allele origin: germline. Affected: yes.
Comment: Not observed in large population cohorts (Lek et al., 2016)

NM_006231.4(POLE):c.2505C>A (p.Val835=)

Gene: POLE (DNA polymerase epsilon, catalytic subunit; minus strand). Cytogenetic location: 12q24.33.
Variant type: single nucleotide variant.
Coding change: c.2505C>A on transcript NM_006231.4 (MANE Select); coding-DNA position 2505, C replaced by A.
Protein change: p.Val835=; no amino-acid change (valine 835 retained).
Molecular consequence: synonymous variant.
Genome position (GRCh38, 1-based): chr12:132,664,426, G>T on the plus strand (C>A on the coding strand, the complement: POLE is on the minus strand). VCF-style: chr12-132664426-G-T. GRCh37 (hg19) VCF-style: chr12-133241012-G-T.
Identifiers: ClinVar variation 1304672 (VCV001304672.3), dbSNP rs878854852, ClinGen allele CA482738280.
Genomic context (GRCh38, chr12:132,664,426, plus strand): 5'-TCACCCAATCTGCTCGATCAGCTCCCGTGCCTGGGTGATGATGTTGGCCCCTGTGAAGCA[G>T]ACGATGCCAGCCATCTCCATGGAGTACCAGCGAGCCCTGAGAGGACACCACAAACTGGTG-3'
Protein context (NP_006222.2, residues 825-845): RWYSMEMAGI[Val835=]CFTGANIITQ